The following is an entry in ClinVar:

NM_000451.4(SHOX):c.399G>C (p.Glu133Asp)

Genes: SHOX (SHOX homeobox; plus strand), LOC107652445 (meiotic recombination hotspot SHOX; plus strand). Cytogenetic location: Xp22.33.
Variant type: single nucleotide variant.
Coding change: c.399G>C on transcript NM_000451.4 (MANE Select); coding-DNA position 399, G replaced by C.
Protein change: p.Glu133Asp; replaces glutamic acid 133 with aspartic acid.
Molecular consequence: missense variant.
Genome position (GRCh38, 1-based): chrX:634,739, G>C. VCF-style: chrX-634739-G-C. GRCh37 (hg19) VCF-style: chrX-595474-G-C.
Other names: c.399G>C, p.Glu133Asp (NM_006883.2); short protein forms E133D.
Identifiers: ClinVar variation 805449 (VCV000805449.4), dbSNP rs1603285352, ClinGen allele CA412231406.
Genomic context (GRCh38, chrX:634,739, plus strand): 5'-CAAGCTGAAACAGAGGCGCAGCCGCACCAACTTCACGCTGGAGCAGCTGAACGAGCTCGA[G>C]CGACTCTTCGACGAGACCCATTACCCCGACGCCTTCATGCGCGAGGAGCTCAGCCAGCGC-3'
Protein context (NP_000442.1, residues 123-143): NFTLEQLNEL[Glu133Asp]RLFDETHYPD

ClinVar aggregate classification (germline): Conflicting classifications of pathogenicity. Review status: criteria provided, conflicting classifications (1 of 4 stars). 3 submissions from 3 submitters: Likely pathogenic (1); Uncertain significance (2). Last evaluated 2025-02-13.

Conditions:
SHOX-related short stature. Also called: SHORT STATURE, IDIOPATHIC, X-LINKED. Identifiers: Orphanet 314795, MedGen C1845118, MONDO:0010367, OMIM 300582. Disease mechanism: loss of function.

Submissions (3):

Bioscientia Institut fuer Medizinische Diagnostik GmbH, Sonic Healthcare
Classification: Likely pathogenic for SHOX-related short stature. Last evaluated: 2025-02-13. Review status: criteria provided, single submitter. Criteria: ACMG Guidelines, 2015. Collection method: clinical testing. Allele origin: germline. Affected: yes.

GeneDx
Classification: Uncertain significance. Last evaluated: 2023-12-01. Review status: criteria provided, single submitter. Criteria: GeneDx Variant Classification Process June 2021. Collection method: clinical testing. Allele origin: germline. Affected: yes.
Comment: Identified in an individual with pre-pubertal short stature in the published literature, however detailed clinical information was not provided and it is unknown whether this indivudal was screened for variants in other genes (PMID: 24051572); Not observed at significant frequency in large population cohorts (gnomAD); In silico analysis supports that this missense variant has a deleterious effect on protein structure/function; This variant is associated with the following publications: (PMID: 32344414, 24051572)

Athena Diagnostics
Classification: Uncertain significance. Last evaluated: 2020-08-14. Review status: criteria provided, single submitter. Criteria: Athena Diagnostics Criteria. Collection method: clinical testing. Allele origin: unknown.

Literature cited by the submitters: PubMed 24051572 (cited by Athena Diagnostics).